The following is an entry in ClinVar:

ClinVar aggregate classification (germline): Uncertain significance (1 of 4 stars; one submission).

gnomAD v4.1: 7 of 1,610,918 alleles (0.00043%); highest among the groups gnomAD compares: Admixed American, 0.0033%; no homozygotes.

Submission:

Labcorp Genetics (formerly Invitae), Labcorp
Classification: Uncertain significance. Last evaluated: 2025-08-11. Review status: criteria provided, single submitter. Criteria: Invitae Variant Classification Sherloc (09022015). Collection method: clinical testing. Allele origin: germline.
Comment: This sequence change replaces aspartic acid, which is acidic and polar, with glutamic acid, which is acidic and polar, at codon 182 of the LMX1B protein (p.Asp182Glu). This variant is present in population databases (no rsID available, gnomAD 0.002%). This variant has not been reported in the literature in individuals affected with LMX1B-related conditions. ClinVar contains an entry for this variant (Variation ID: 3603829). Invitae Evidence Modeling of protein sequence and biophysical properties (such as structural, functional, and spatial information, amino acid conservation, physicochemical variation, residue mobility, and thermodynamic stability) indicates that this missense variant is not expected to disrupt LMX1B protein function with a negative predictive value of 80%. In summary, the available evidence is currently insufficient to determine the role of this variant in disease. Therefore, it has been classified as a Variant of Uncertain Significance.

NM_001174147.2(LMX1B):c.546C>G (p.Asp182Glu)

Gene: LMX1B (LIM homeobox transcription factor 1 beta; plus strand). Cytogenetic location: 9q33.3.
Variant type: single nucleotide variant.
Coding change: c.546C>G on transcript NM_001174147.2 (MANE Select); coding-DNA position 546, C replaced by G.
Protein change: p.Asp182Glu; replaces aspartic acid 182 with glutamic acid.
Molecular consequence: missense variant.
Genome position (GRCh38, 1-based): chr9:126,691,055, C>G. VCF-style: chr9-126691055-C-G. GRCh37 (hg19) VCF-style: chr9-129453334-C-G.
Other names: c.546C>G, p.Asp182Glu (NM_002316.4, NM_001174146.2); short protein forms D182E.
Identifiers: ClinVar variation 3603829 (VCV003603829.2).